The following is an entry in ClinVar:

NM_017514.5(PLXNA3):c.868C>T (p.Arg290Cys)

Gene: PLXNA3 (plexin A3; plus strand). Cytogenetic location: Xq28.
Variant type: single nucleotide variant.
Coding change: c.868C>T on transcript NM_017514.5 (MANE Select); coding-DNA position 868, C replaced by T.
Protein change: p.Arg290Cys; replaces arginine 290 with cysteine.
Molecular consequence: missense variant.
Genome position (GRCh38, 1-based): chrX:154,461,372, C>T. VCF-style: chrX-154461372-C-T. GRCh37 (hg19) VCF-style: chrX-153689712-C-T.
Other names: short protein forms R290C.
Identifiers: ClinVar variation 2377927 (VCV002377927.3), dbSNP rs781795304, ClinGen allele CA10563841.

ClinVar aggregate classification (germline): Uncertain significance. Review status: criteria provided, single submitter (1 of 4 stars). 2 submissions from 2 submitters: Uncertain significance (1). 1 of the submissions does not count toward it. Last evaluated 2022-10-25.

Conditions:
PLXNA3-related disorder. Also called: PLXNA3-related condition.

Allele frequency attached by ClinVar (database versions not stated): gnomAD 0.00001; TOPMed 0.00001; ExAC 0.00002.
gnomAD v4.1: 24 of 1,211,090 alleles (0.002%); highest among the groups gnomAD compares: South Asian, 0.007%; no homozygotes.

Submissions (2):

Ambry Genetics
Classification: Uncertain significance. Last evaluated: 2022-10-25. Review status: criteria provided, single submitter. Criteria: Ambry Variant Classification Scheme 2023. Collection method: clinical testing. Allele origin: germline.

PreventionGenetics, part of Exact Sciences
Classification: Uncertain significance for PLXNA3-related condition. Last evaluated: 2024-08-15. Review status: no assertion criteria provided. Collection method: clinical testing. Allele origin: germline. Not counted in ClinVar's aggregate classification.
Comment: The PLXNA3 c.868C>T variant is predicted to result in the amino acid substitution p.Arg290Cys. To our knowledge, this variant has not been reported in the literature. This variant is reported in 0.010% of alleles in individuals of South Asian descent in gnomAD. At this time, the clinical significance of this variant is uncertain due to the absence of conclusive functional and genetic evidence.